The following is an entry in ClinVar:

NM_014974.3(DIP2C):c.3065G>A (p.Gly1022Asp)

Gene: DIP2C (disco interacting protein 2 homolog C; minus strand). Cytogenetic location: 10p15.3.
Variant type: single nucleotide variant.
Coding change: c.3065G>A on transcript NM_014974.3 (MANE Select); coding-DNA position 3065, G replaced by A.
Protein change: p.Gly1022Asp; replaces glycine 1022 with aspartic acid.
Molecular consequence: missense variant.
Genome position (GRCh38, 1-based): chr10:349,375, C>T on the plus strand (G>A on the coding strand, the complement: DIP2C is on the minus strand). VCF-style: chr10-349375-C-T. GRCh37 (hg19) VCF-style: chr10-395315-C-T.
Other names: short protein forms G1022D.
Identifiers: ClinVar variation 3252181 (VCV003252181.1), dbSNP rs2540585560.

ClinVar aggregate classification (germline): Uncertain significance (1 of 4 stars; one submission).

Submission:

GeneDx
Classification: Uncertain significance. Last evaluated: 2023-12-02. Review status: criteria provided, single submitter. Criteria: GeneDx Variant Classification Process June 2021. Collection method: clinical testing. Allele origin: germline. Affected: yes.
Comment: Not observed at significant frequency in large population cohorts (gnomAD); In silico analysis supports that this missense variant has a deleterious effect on protein structure/function; Has not been previously published as pathogenic or benign to our knowledge; Variants in candidate genes are classified as variants of uncertain significance in accordance with ACMG guidelines (PMID: 25741868)